The following is an entry in ClinVar:

NM_001352913.2(PPP2R5C):c.457A>G (p.Met153Val)

Gene: PPP2R5C (protein phosphatase 2 regulatory subunit B'gamma; plus strand). Cytogenetic location: 14q32.31.
Variant type: single nucleotide variant.
Coding change: c.457A>G on transcript NM_001352913.2 (MANE Select); coding-DNA position 457, A replaced by G.
Protein change: p.Met153Val; replaces methionine 153 with valine.
Molecular consequence: missense variant.
Genome position (GRCh38, 1-based): chr14:101,856,883, A>G. VCF-style: chr14-101856883-A-G. GRCh37 (hg19) VCF-style: chr14-102323220-A-G.
Other names: c.385A>G, p.Met129Val (NM_001161725.2); c.457A>G, p.Met153Val (NM_001161726.2); c.292A>G, p.Met98Val (NM_001352912.1, NM_002719.4, NM_178586.3 and 1 more transcripts); c.472A>G, p.Met158Val (NM_001352914.2); c.67A>G, p.Met23Val (NM_001352915.2, NM_001352916.2); short protein forms M129V, M158V, M23V, M153V, M98V.
Identifiers: ClinVar variation 3309522 (VCV003309522.2).
Genomic context (GRCh38, chr14:101,856,883, plus strand): 5'-GAATATATCACCCATAATCGGAATGTGATCACAGAGCCTATTTACCCAGAAGTAGTCCAT[A>G]TGGTAAGTGATTACAGTTTAACCAGTGTGTCCCAGTTCTGATTTATAAACAGGACAGGCC-3'
Protein context (NP_001339842.1, residues 143-163): TEPIYPEVVH[Met153Val]FAVNMFRTLP

ClinVar aggregate classification (germline): Uncertain significance. Review status: criteria provided, multiple submitters, no conflicts (2 of 4 stars). 2 submissions from 2 submitters: Uncertain significance (2). Last evaluated 2025-02-14.

gnomAD v4.1: 17 of 1,612,452 alleles (0.0011%); highest among the groups gnomAD compares: Admixed American, 0.013%; no homozygotes.

Submissions (2):

Labcorp Genetics (formerly Invitae), Labcorp
Classification: Uncertain significance. Last evaluated: 2025-02-14. Review status: criteria provided, single submitter. Criteria: Invitae Variant Classification Sherloc (09022015). Collection method: clinical testing. Allele origin: germline.
Comment: This sequence change replaces methionine, which is neutral and non-polar, with valine, which is neutral and non-polar, at codon 129 of the PPP2R5C protein (p.Met129Val). This variant is present in population databases (rs142106753, gnomAD 0.02%). This variant has not been reported in the literature in individuals affected with PPP2R5C-related conditions. ClinVar contains an entry for this variant (Variation ID: 3309522). An algorithm developed to predict the effect of missense changes on protein structure and function (PolyPhen-2) suggests that this variant is likely to be tolerated. In summary, the available evidence is currently insufficient to determine the role of this variant in disease. Therefore, it has been classified as a Variant of Uncertain Significance.

Ambry Genetics
Classification: Uncertain significance. Last evaluated: 2024-05-30. Review status: criteria provided, single submitter. Criteria: Ambry Variant Classification Scheme 2023. Collection method: clinical testing. Allele origin: germline.